The following is an entry in ClinVar:

ClinVar aggregate classification (germline): Pathogenic. Review status: reviewed by expert panel (3 of 4 stars). 2 submissions from 2 submitters: Pathogenic (1). 1 of the submissions does not count toward it. Last evaluated 2017-12-15.

Conditions:
Breast-ovarian cancer, familial, susceptibility to, 1 (BROVCA1). Also called: BRCA1 Hereditary Breast and Ovarian Cancer; OVARIAN CANCER, SUSCEPTIBILITY TO. Identifiers: Orphanet 145, MedGen C2676676, MONDO:0011450, OMIM 604370. Disease mechanism: loss of function.

Submissions (2):

Evidence-based Network for the Interpretation of Germline Mutant Alleles (ENIGMA)
Classification: Pathogenic for Breast-ovarian cancer, familial, susceptibility to, 1. Last evaluated: 2017-12-15. Review status: reviewed by expert panel. Criteria: ENIGMA BRCA1/2 Classification Criteria (2017-06-29). Collection method: curation. Allele origin: germline. Study: ENIGMA.
Comment: Variant allele predicted to encode a truncated non-functional protein.

Department of Medical Genetics, Oslo University Hospital
Classification: Pathogenic for Breast-ovarian cancer, familial, susceptibility to, 1. Last evaluated: 2015-10-26. Review status: criteria provided, single submitter. Criteria: ACMG Guidelines, 2015. Collection method: clinical testing. Allele origin: germline. Affected: yes. Observed: 3 variant alleles. Not counted in ClinVar's aggregate classification.

NM_007294.4(BRCA1):c.2257dup (p.Ser753fs)

Gene: BRCA1 (BRCA1 DNA repair associated; minus strand). Cytogenetic location: 17q21.31.
Variant type: Duplication.
Coding change: c.2257dup on transcript NM_007294.4 (MANE Select); coding-DNA position 2257, one base duplicated (A; older notation c.2257dupA).
Protein change: p.Ser753fs; shifts the reading frame from serine 753.
Molecular consequence: frameshift variant. On other transcripts: intron variant (137).
Genome position (GRCh38, 1-based): chr17:43,093,274, T duplicated on the plus strand (A on the coding strand, the reverse complement: BRCA1 is on the minus strand); the first of 2 consecutive T bases (chr17:43,093,274-43,093,275); duplicating either gives the same sequence. VCF-style (leftmost placement, unchanged base first): chr17-43093273-C-CT. GRCh37 (hg19) VCF-style: chr17-41245290-C-CT.
Other names: c.2257dupA (NM_007294.3); c.2254dup, p.Ser752fs (NM_001407590.1, NM_001407591.1, NM_001407610.1 and 22 more transcripts); c.2257dup, p.Ser753fs (NM_001407593.1, NM_001407594.1, NM_001407596.1 and 30 more transcripts); c.2248dup, p.Ser750fs (NM_001407646.1, NM_001407647.1); c.2134dup, p.Ser712fs (NM_001407648.1, NM_001407664.1, NM_001407665.1 and 19 more transcripts); c.2131dup, p.Ser711fs (NM_001407649.1, NM_001407670.1, NM_001407671.1 and 11 more transcripts); c.2179dup, p.Ser727fs (NM_001407653.1, NM_001407654.1, NM_001407655.1 and 4 more transcripts); c.2176dup, p.Ser726fs (NM_001407659.1, NM_001407660.1, NM_001407661.1 and 1 more transcripts); and 42 more; short protein forms S706fs, S753fs, S585fs, S625fs, S705fs, S727fs, S457fs, S641fs.
Identifiers: ClinVar variation 417829 (VCV000417829.3), dbSNP rs1555590033, ClinGen allele CA16616886.